The following is an entry in ClinVar:

ClinVar aggregate classification (germline): Uncertain significance (1 of 4 stars; one submission).

gnomAD v4.1: 1 of 1,614,214 alleles (0.000062%); highest among the groups gnomAD compares: Non-Finnish European, 0.000085%; no homozygotes.

Submission:

Labcorp Genetics (formerly Invitae), Labcorp
Classification: Uncertain significance. Last evaluated: 2024-02-24. Review status: criteria provided, single submitter. Criteria: Invitae Variant Classification Sherloc (09022015). Collection method: clinical testing. Allele origin: germline.
Comment: This sequence change replaces glycine, which is neutral and non-polar, with arginine, which is basic and polar, at codon 155 of the CUL7 protein (p.Gly155Arg). This variant is not present in population databases (gnomAD no frequency). This variant has not been reported in the literature in individuals affected with CUL7-related conditions. ClinVar contains an entry for this variant (Variation ID: 840959). An algorithm developed to predict the effect of missense changes on protein structure and function (PolyPhen-2) suggests that this variant is likely to be disruptive. In summary, the available evidence is currently insufficient to determine the role of this variant in disease. Therefore, it has been classified as a Variant of Uncertain Significance.

NM_014780.5(CUL7):c.463G>A (p.Gly155Arg)

Gene: CUL7 (cullin 7; minus strand). Cytogenetic location: 6p21.1.
Variant type: single nucleotide variant.
Coding change: c.463G>A on transcript NM_014780.5 (MANE Select); coding-DNA position 463, G replaced by A.
Protein change: p.Gly155Arg; replaces glycine 155 with arginine.
Molecular consequence: missense variant.
Genome position (GRCh38, 1-based): chr6:43,052,326, C>T on the plus strand (G>A on the coding strand, the complement: CUL7 is on the minus strand). VCF-style: chr6-43052326-C-T. GRCh37 (hg19) VCF-style: chr6-43020064-C-T.
Other names: c.463G>A, p.Gly155Arg (NM_001168370.2, NM_001374872.1, NM_001374873.1 and 1 more transcripts); short protein forms G155R.
Identifiers: ClinVar variation 840959 (VCV000840959.10), dbSNP rs1764484917, ClinGen allele CA364229801.
Genomic context (GRCh38, chr6:43,052,326, plus strand): 5'-AATCAGGACTACTCAACATGTGCATGAGCAAGTCCAGGACCCTTGGGTCCTTGAATACTC[C>T]AGTGAGGGGCTCAATGCTGGCATAGGCGCTGAGCACGTGGACAGTGTGAAGTAGAGGAGC-3'
Protein context (NP_055595.2, residues 145-165): SAYASIEPLT[Gly155Arg]VFKDPRVLDL